The following is an entry in ClinVar:

NM_015512.5(DNAH1):c.6707C>T (p.Thr2236Ile)

Gene: DNAH1 (dynein axonemal heavy chain 1; plus strand). Cytogenetic location: 3p21.1.
Variant type: single nucleotide variant.
Coding change: c.6707C>T on transcript NM_015512.5 (MANE Select); coding-DNA position 6707, C replaced by T.
Protein change: p.Thr2236Ile; replaces threonine 2236 with isoleucine.
Molecular consequence: missense variant.
Genome position (GRCh38, 1-based): chr3:52,372,267, C>T. VCF-style: chr3-52372267-C-T. GRCh37 (hg19) VCF-style: chr3-52406283-C-T.
Other names: short protein forms T2236I.
Identifiers: ClinVar variation 2946047 (VCV002946047.1), dbSNP rs772766218, ClinGen allele CA2434620.
Genomic context (GRCh38, chr3:52,372,267, plus strand): 5'-TGCCATCCCCGCTCTGCCAGGTGCTGTGCATTGGGCCAACAGGCACGGGGAAGACGCTCA[C>T]CATCTCTGACAAGCTCCTCAAGAACCTGGCACTGGATTACATCAGCCACTTCCTCACCTT-3'
Protein context (NP_056327.4, residues 2226-2246): IGPTGTGKTL[Thr2236Ile]ISDKLLKNLA

ClinVar aggregate classification (germline): Uncertain significance (1 of 4 stars; one submission).

Conditions:
Spermatogenic failure 18. Identifiers: MedGen C4539783, MONDO:0054615, OMIM 617576.
Ciliary dyskinesia, primary, 37 (CILD37). Also called: CILIARY DYSKINESIA, PRIMARY, 37, WITH OR WITHOUT SITUS INVERSUS. Identifiers: MedGen C4539798, MONDO:0033204, OMIM 617577.

Allele frequency attached by ClinVar (database versions not stated): ExAC 0.00006; gnomAD 0.00007; TOPMed 0.00012; 1000 Genomes Project 30x 0.00016.
gnomAD v4.1: 73 of 1,613,970 alleles (0.0045%); highest among the groups gnomAD compares: Admixed American, 0.013%; no homozygotes.

Submission:

Labcorp Genetics (formerly Invitae), Labcorp
Classification: Uncertain significance for Ciliary dyskinesia, primary, 37; Spermatogenic failure 18. Last evaluated: 2023-04-03. Review status: criteria provided, single submitter. Criteria: Invitae Variant Classification Sherloc (09022015). Collection method: clinical testing. Allele origin: germline.
Comment: In summary, the available evidence is currently insufficient to determine the role of this variant in disease. Therefore, it has been classified as a Variant of Uncertain Significance. Advanced modeling of protein sequence and biophysical properties (such as structural, functional, and spatial information, amino acid conservation, physicochemical variation, residue mobility, and thermodynamic stability) performed at Invitae indicates that this missense variant is not expected to disrupt DNAH1 protein function. This variant has not been reported in the literature in individuals affected with DNAH1-related conditions. This variant is present in population databases (rs772766218, gnomAD 0.009%). This sequence change replaces threonine, which is neutral and polar, with isoleucine, which is neutral and non-polar, at codon 2236 of the DNAH1 protein (p.Thr2236Ile).